The following is an entry in ClinVar:

NM_022552.5(DNMT3A):c.2609del (p.Phe870fs)

Gene: DNMT3A (DNA methyltransferase 3 alpha; minus strand). Cytogenetic location: 2p23.3.
Variant type: Deletion.
Coding change: c.2609del on transcript NM_022552.5 (MANE Select); coding-DNA position 2609, one base deleted (T; older notation c.2609delT).
Protein change: p.Phe870fs; shifts the reading frame from phenylalanine 870.
Molecular consequence: frameshift variant. On other transcripts: non-coding transcript variant (1).
Genome position (GRCh38, 1-based): chr2:25,234,409, A deleted on the plus strand (T on the coding strand, the reverse complement: DNMT3A is on the minus strand); the first of 3 consecutive A bases (chr2:25,234,409-25,234,411); deleting any one gives the same sequence. VCF-style (leftmost placement, unchanged base first): chr2-25234408-GA-G. GRCh37 (hg19) VCF-style: chr2-25457277-GA-G.
Other names: c.2153del, p.Phe718fs (NM_001320893.1); c.1940del, p.Phe647fs (NM_001375819.1); c.2042del, p.Phe681fs (NM_153759.3); c.2609del, p.Phe870fs (NM_175629.2); short protein forms F647fs, F681fs, F870fs, F718fs.
Identifiers: ClinVar variation 2853491 (VCV002853491.3), dbSNP rs2465314655, ClinGen allele CA2576693606.

ClinVar aggregate classification (germline): Pathogenic (1 of 4 stars; one submission).

Conditions:
Tatton-Brown-Rahman overgrowth syndrome. Also called: Tatton-Brown-Rahman syndrome; Tall stature-intellectual disability-facial dysmorphism syndrome. Identifiers: Orphanet 404443, MedGen C4014545, MONDO:0014382, OMIM 615879.

Submission:

Labcorp Genetics (formerly Invitae), Labcorp
Classification: Pathogenic for Tatton-Brown-Rahman overgrowth syndrome. Last evaluated: 2023-04-07. Review status: criteria provided, single submitter. Criteria: Invitae Variant Classification Sherloc (09022015). Collection method: clinical testing. Allele origin: germline.
Comment: This variant has not been reported in the literature in individuals affected with DNMT3A-related conditions. For these reasons, this variant has been classified as Pathogenic. This variant disrupts a region of the DNMT3A protein in which other variant(s) (p.Arg882Cys) have been determined to be pathogenic (PMID: 27317772, 28432085, 31620784). This suggests that this is a clinically significant region of the protein, and that variants that disrupt it are likely to be disease-causing. This variant is not present in population databases (gnomAD no frequency). This sequence change creates a premature translational stop signal (p.Phe870Serfs*11) in the DNMT3A gene. While this is not anticipated to result in nonsense mediated decay, it is expected to disrupt the last 43 amino acid(s) of the DNMT3A protein.

Literature cited by the submitters: PubMed 27317772; PubMed 28432085; PubMed 31620784.